The following is an entry in ClinVar:

ClinVar aggregate classification (germline): Uncertain significance. Review status: criteria provided, multiple submitters, no conflicts (2 of 4 stars). 2 submissions from 2 submitters: Uncertain significance (2). Last evaluated 2024-07-02.

Conditions:
Polycystic kidney disease 4 (PKD4). Also called: PKD3; Autosomal Recessive Polycystic Kidney Disease – PKHD1; POLYCYSTIC KIDNEY AND HEPATIC DISEASE 1; POLYCYSTIC KIDNEY DISEASE, INFANTILE, TYPE I; POLYCYSTIC KIDNEY DISEASE 4 WITH OR WITHOUT POLYCYSTIC LIVER DISEASE. Identifiers: MedGen C4540575, MONDO:0033004, OMIM 263200.

Allele frequency attached by ClinVar (database versions not stated): gnomAD exomes below 0.00001.
gnomAD v4.1: 1 of 1,613,448 alleles (0.000062%); highest among the groups gnomAD compares: Admixed American, 0.0017%; no homozygotes.

Submissions (2):

Blueprint Genetics
Classification: Uncertain significance. Last evaluated: 2024-07-02. Review status: criteria provided, single submitter. Criteria: ACMG Guidelines, 2015. Collection method: clinical testing. Allele origin: germline.

Baylor Genetics
Classification: Uncertain significance for Polycystic kidney disease 4. Last evaluated: 2019-09-26. Review status: criteria provided, single submitter. Criteria: ACMG Guidelines, 2015. Collection method: clinical testing. Allele origin: unknown. Affected: yes.
Comment: This variant was determined to be of uncertain significance according to ACMG Guidelines, 2015 [PMID:25741868].

NM_138694.4(PKHD1):c.11310+3A>G

Gene: PKHD1 (PKHD1 ciliary IPT domain containing fibrocystin/polyductin; minus strand). Cytogenetic location: 6p12.3.
Variant type: single nucleotide variant.
Coding change: c.11310+3A>G on transcript NM_138694.4 (MANE Select); 3 bases into the intron after coding-DNA position 11310, A replaced by G.
Molecular consequence: intron variant.
Genome position (GRCh38, 1-based): chr6:51,649,082, T>C on the plus strand (A>G on the coding strand, the complement: PKHD1 is on the minus strand). VCF-style: chr6-51649082-T-C. GRCh37 (hg19) VCF-style: chr6-51513880-T-C.
Identifiers: ClinVar variation 1030193 (VCV001030193.2), dbSNP rs1271798139, ClinGen allele CA567284634.